The following is an entry in ClinVar:

ClinVar aggregate classification (germline): Conflicting classifications of pathogenicity. Review status: criteria provided, conflicting classifications (1 of 4 stars). 4 submissions from 4 submitters: Uncertain significance (1); Likely benign (3). Last evaluated 2025-11-01.

Conditions:
Ehlers-Danlos syndrome, musculocontractural type (EDSMC). Also called: ARTHROGRYPOSIS, DISTAL, WITH PECULIAR FACIES AND HYDRONEPHROSIS; Adducted thumb, clubfoot, progressive joint and skin laxity syndrome; DUNDAR SYNDROME; ADDUCTED THUMB-CLUBFOOT SYNDROME. Identifiers: Orphanet 2953, MedGen C1866294, MONDO:0011142.
Cardiovascular phenotype. Identifiers: MedGen CN230736.

Allele frequency attached by ClinVar (database versions not stated): gnomAD exomes 0.00003 and 0.00004; ExAC 0.00007; TOPMed 0.00012; gnomAD 0.00013 and 0.00014; 1000 Genomes Project 30x 0.00016; 1000 Genomes Project 0.00020; ESP Exome Variant Server 0.00031.
gnomAD v4.1: 72 of 1,614,120 alleles (0.0045%); highest among the groups gnomAD compares: African/African-American, 0.071%; no homozygotes.

Submissions (4):

CeGaT Center for Human Genetics Tuebingen
Classification: Likely benign. Last evaluated: 2025-11-01. Review status: criteria provided, single submitter. Criteria: CeGaT Center For Human Genetics Tuebingen Variant Classification Criteria Version 2. Collection method: clinical testing. Allele origin: germline. Affected: yes. Observed: 1 variant allele.
Comment: CHST14: BP4, BP7

Labcorp Genetics (formerly Invitae), Labcorp
Classification: Likely benign for Ehlers-Danlos syndrome, musculocontractural type. Last evaluated: 2025-07-21. Review status: criteria provided, single submitter. Criteria: Invitae Variant Classification Sherloc (09022015). Collection method: clinical testing. Allele origin: germline.

Ambry Genetics
Classification: Likely benign for Cardiovascular phenotype. Last evaluated: 2022-03-04. Review status: criteria provided, single submitter. Criteria: Ambry Variant Classification Scheme 2023. Collection method: clinical testing. Allele origin: germline.

GeneDx
Classification: Uncertain significance. Last evaluated: 2020-02-13. Review status: criteria provided, single submitter. Criteria: GeneDx Variant Classification Process June 2021. Collection method: clinical testing. Allele origin: germline. Affected: yes.
Comment: Has not been previously published as pathogenic or benign to our knowledge; In-silico analysis, which includes splice predictors and evolutionary conservation, is inconclusive as to whether the variant alters gene splicing. In the absence of RNA/functional studies, the actual effect of this sequence change is unknown.

NM_130468.4(CHST14):c.765C>T (p.Gly255=)

Gene: CHST14 (carbohydrate sulfotransferase 14; plus strand). Cytogenetic location: 15q15.1.
Variant type: single nucleotide variant.
Coding change: c.765C>T on transcript NM_130468.4 (MANE Select); coding-DNA position 765, C replaced by T.
Protein change: p.Gly255=; no amino-acid change (glycine 255 retained).
Molecular consequence: synonymous variant.
Genome position (GRCh38, 1-based): chr15:40,471,978, C>T. VCF-style: chr15-40471978-C-T. GRCh37 (hg19) VCF-style: chr15-40764177-C-T.
Identifiers: ClinVar variation 726379 (VCV000726379.20), dbSNP rs148053059, ClinGen allele CA7481641.
Genomic context (GRCh38, chr15:40,471,978, plus strand): 5'-ACGCTATGGGGCTGAGATAGTGAGGCGGTACAGGGCTGGAGCGGGGCCCAGCCCTGCAGG[C>T]GACGATGTCACATTCCCCGAGTTCCTGAGATACCTGGTGGATGAGGACCCTGAGCGCATG-3'
Protein context (NP_569735.1, residues 245-265): YRAGAGPSPA[Gly255=]DDVTFPEFLR